The following is an entry in ClinVar:

ClinVar aggregate classification (germline): Likely benign. Review status: criteria provided, single submitter (1 of 4 stars). 2 submissions from 2 submitters: Likely benign (1). 1 of the submissions does not count toward it. Last evaluated 2024-05-29.

Conditions:
MAST1-related disorder. Also called: MAST1-related condition.

Allele frequency attached by ClinVar (database versions not stated): gnomAD exomes 0.00003; ExAC 0.00004; gnomAD 0.00005; TOPMed 0.00008; ESP Exome Variant Server 0.00016.
gnomAD v4.1: 48 of 1,545,720 alleles (0.0031%); highest among the groups gnomAD compares: Non-Finnish European, 0.0039%; no homozygotes.

Submissions (2):

Labcorp Genetics (formerly Invitae), Labcorp
Classification: Likely benign. Last evaluated: 2024-05-29. Review status: criteria provided, single submitter. Criteria: Invitae Variant Classification Sherloc (09022015). Collection method: clinical testing. Allele origin: germline.

PreventionGenetics, part of Exact Sciences
Classification: Likely benign for MAST1-related condition. Last evaluated: 2021-10-25. Review status: no assertion criteria provided. Collection method: clinical testing. Allele origin: germline. Not counted in ClinVar's aggregate classification.
Comment: This variant is classified as likely benign based on ACMG/AMP sequence variant interpretation guidelines (Richards et al. 2015 PMID: 25741868, with internal and published modifications).

NM_014975.3(MAST1):c.4347G>T (p.Val1449=)

Gene: MAST1 (microtubule associated serine/threonine kinase 1; plus strand). Cytogenetic location: 19p13.13.
Variant type: single nucleotide variant.
Coding change: c.4347G>T on transcript NM_014975.3 (MANE Select); coding-DNA position 4347, G replaced by T.
Protein change: p.Val1449=; no amino-acid change (valine 1449 retained).
Molecular consequence: synonymous variant.
Genome position (GRCh38, 1-based): chr19:12,874,504, G>T. VCF-style: chr19-12874504-G-T. GRCh37 (hg19) VCF-style: chr19-12985318-G-T.
Other names: c.4347G>T (NM_014975.2).
Identifiers: ClinVar variation 2149695 (VCV002149695.6), dbSNP rs371185312, ClinGen allele CA9233549.